The following is an entry in ClinVar:

NM_001303256.3(MORC2):c.2072_2078delinsACCT (p.Leu691_Gln693delinsHisLeu)

Gene: MORC2 (MORC family CW-type zinc finger 2; minus strand). Cytogenetic location: 22q12.2.
Variant type: Indel.
Coding change: c.2072_2078delinsACCT on transcript NM_001303256.3 (MANE Select); coding-DNA positions 2072 to 2078, TGGTGCA replaced by ACCT.
Protein change: p.Leu691_Gln693delinsHisLeu.
Molecular consequence: inframe indel.
Genome position (GRCh38, 1-based): chr22:30,934,896-30,934,902, TGCACCA replaced by AGGT on the plus strand (TGGTGCA replaced by ACCT on the coding strand, the reverse complement: MORC2 is on the minus strand). VCF-style: chr22-30934896-TGCACCA-AGGT. GRCh37 (hg19) VCF-style: chr22-31330883-TGCACCA-AGGT.
Other names: c.2072_2078delinsACCT, p.Leu691_Gln693delinsHisLeu (NM_001303257.2); c.1886_1892delinsACCT, p.Leu629_Gln631delinsHisLeu (NM_014941.3).
Identifiers: ClinVar variation 423650 (VCV000423650.1), dbSNP rs1064796551, ClinGen allele CA16621095.
Genomic context (GRCh38, chr22:30,934,896, plus strand): 5'-TTGGGAGAAGGAACCTCCCGAGGGCTCTTGGAGTTGGGCAGTAAAGATGGTGACAGTTGC[TGCACCA>AGGT]GAGGGGCAGGTCGGGATGCAGTCTTGACGAGAGTGTTGGCAGGCTTTCGGGGTGCCTCAG-3'

ClinVar aggregate classification (germline): Uncertain significance (1 of 4 stars; one submission).

Submission:

GeneDx
Classification: Uncertain significance. Last evaluated: 2017-02-13. Review status: criteria provided, single submitter. Criteria: GeneDx Variant Classification (06012015). Collection method: clinical testing. Allele origin: germline. Affected: yes.
Comment: The c.2072_2078delTGGTGCAinsACCT variant in the MORC2 gene has not been reported previously as a pathogenic variant nor as a benign variant, to our knowledge. The c.2072_2078delTGGTGCAinsACCT variant is not observed in large population cohorts (Lek et al., 2016; 1000 Genomes Consortium et al., 2015; Exome Variant Server). The c.2072_2078delTGGTGCAinsACCT variant causes an in-frame deletion of 3 amino acid residues and the insertion of two incorrect amino acid residues, denoted p.L691_Q693delinsHL at the protein level. To date, no in-frame insertion/deletion events have been reported in the Human Gene Mutation Database in association with MORC2-related disorders. Therefore, we interpret c.2072_2078delTGGTGCAinsACCT as a variant of uncertain significance.